The following is an entry in ClinVar:

NM_000091.5(COL4A3):c.3094T>C (p.Leu1032=)

Genes: COL4A3 (collagen type IV alpha 3 chain; plus strand), MFF-DT (MFF divergent transcript; minus strand). Cytogenetic location: 2q36.3.
Variant type: single nucleotide variant.
Coding change: c.3094T>C on transcript NM_000091.5 (MANE Select); coding-DNA position 3094, T replaced by C.
Protein change: p.Leu1032=; no amino-acid change (leucine 1032 retained).
Molecular consequence: synonymous variant.
Genome position (GRCh38, 1-based): chr2:227,290,770, T>C. VCF-style: chr2-227290770-T-C. GRCh37 (hg19) VCF-style: chr2-228155486-T-C.
Identifiers: ClinVar variation 667102 (VCV000667102.16), dbSNP rs372423505, ClinGen allele CA2147110.

ClinVar aggregate classification (germline): Likely benign. Review status: criteria provided, multiple submitters, no conflicts (2 of 4 stars). 3 submissions from 3 submitters: Likely benign (2). 1 of the submissions does not count toward it. Last evaluated 2026-01-19.

Conditions:
Autosomal dominant Alport syndrome (ATS3A). Also called: Alport syndrome dominant type; Renal failure and sensorineural hearing loss; ALPORT SYNDROME 3A, AUTOSOMAL DOMINANT. Identifiers: Orphanet 63, Orphanet 88918, MedGen C5882663, MONDO:0007086, OMIM 104200.

Allele frequency attached by ClinVar (database versions not stated): gnomAD exomes 0.00001 and 0.00003; ExAC 0.00003; gnomAD 0.00012 and 0.00014; TOPMed 0.00014; ESP Exome Variant Server 0.00025.
gnomAD v4.1: 36 of 1,613,368 alleles (0.0022%); highest among the groups gnomAD compares: African/African-American, 0.047%; no homozygotes.

Submissions (3):

Labcorp Genetics (formerly Invitae), Labcorp
Classification: Likely benign. Last evaluated: 2026-01-19. Review status: criteria provided, single submitter. Criteria: Invitae Variant Classification Sherloc (09022015). Collection method: clinical testing. Allele origin: germline.

Laboratory for Molecular Medicine, Mass General Brigham Personalized Medicine
Classification: Likely benign. Last evaluated: 2017-08-23. Review status: criteria provided, single submitter. Criteria: LMM Criteria. Collection method: clinical testing. Allele origin: germline. Observed: 1 variant allele.
Comment: p.Leu1032Leu in exon 37 of COL4A3: This variant is not expected to have clinical significance because it does not alter an amino acid residue and is not located within the splice consensus sequence. It has been identified in 0.03% (3/9744) of African chromosomes by the Exome Aggregation Consortium (ExAC; dbSNP rs372423505).

Natera, Inc.
Classification: Likely benign for Autosomal dominant Alport syndrome. Last evaluated: 2020-04-24. Review status: no assertion criteria provided. Collection method: clinical testing. Allele origin: germline. Not counted in ClinVar's aggregate classification.